The following is an entry in ClinVar:

ClinVar aggregate classification (germline): Conflicting classifications of pathogenicity. Review status: criteria provided, conflicting classifications (1 of 4 stars). 4 submissions from 4 submitters: Uncertain significance (3); Likely benign (1). Last evaluated 2026-08-12.

Conditions:
Inborn genetic diseases. Identifiers: MedGen C0950123, MeSH D030342.
MEGF8-related Carpenter syndrome. Also called: Carpenter syndrome 2. Identifiers: Orphanet 65759, MedGen C3554247, MONDO:0013998, OMIM 614976.

Allele frequency attached by ClinVar (database versions not stated): gnomAD exomes 0.00013 and 0.00005; ExAC 0.00047; gnomAD 0.00060 and 0.00054; ESP Exome Variant Server 0.00040; TOPMed 0.00048; 1000 Genomes Project 30x 0.00016.
gnomAD v4.1: 146 of 1,562,260 alleles (0.0093%); highest among the groups gnomAD compares: African/African-American, 0.19%; 1 homozygote.

Submissions (4):

GeneDx
Classification: Uncertain significance. Last evaluated: 2026-08-12. Review status: criteria provided, single submitter. Criteria: GeneDx Variant Classification Process June 2021. Collection method: clinical testing. Allele origin: germline.
Comment: In silico analysis supports that this missense variant has a deleterious effect on protein structure/function; Has not been previously published as pathogenic or benign to our knowledge

Labcorp Genetics (formerly Invitae), Labcorp
Classification: Likely benign for MEGF8-related Carpenter syndrome. Last evaluated: 2024-11-21. Review status: criteria provided, single submitter. Criteria: Invitae Variant Classification Sherloc (09022015). Collection method: clinical testing. Allele origin: germline.

Ambry Genetics
Classification: Uncertain significance for Inborn genetic diseases. Last evaluated: 2024-10-21. Review status: criteria provided, single submitter. Criteria: Ambry Variant Classification Scheme 2023. Collection method: clinical testing. Allele origin: germline.

Baylor Genetics
Classification: Uncertain significance for MEGF8-related Carpenter syndrome. Last evaluated: 2018-07-31. Review status: criteria provided, single submitter. Criteria: ACMG Guidelines, 2015. Collection method: clinical testing. Allele origin: unknown. Affected: yes.
Comment: This variant was determined to be of uncertain significance according to ACMG Guidelines, 2015 [PMID:25741868].

NM_001271938.2(MEGF8):c.3154T>C (p.Trp1052Arg)

Gene: MEGF8 (multiple EGF like domains 8; plus strand). Cytogenetic location: 19q13.2.
Variant type: single nucleotide variant.
Coding change: c.3154T>C on transcript NM_001271938.2 (MANE Select); coding-DNA position 3154, T replaced by C.
Protein change: p.Trp1052Arg; replaces tryptophan 1052 with arginine.
Molecular consequence: missense variant.
Genome position (GRCh38, 1-based): chr19:42,352,260, T>C. VCF-style: chr19-42352260-T-C. GRCh37 (hg19) VCF-style: chr19-42856412-T-C.
Other names: c.2953T>C, p.Trp985Arg (NM_001410.3); short protein forms W1052R, W985R.
Identifiers: ClinVar variation 800241 (VCV000800241.16), dbSNP rs202039332, ClinGen allele CA9474916.
Genomic context (GRCh38, chr19:42,352,260, plus strand): 5'-CCCTGCAGGTGCCTACAGGGGGACTTCTCAGGGCCCCTCGGTGGGGGTAACTGCTCCCTG[T>C]GGGTGGGGGAGGGCCTGGGGCTTCCCGTGGCCCTCCCTGCCCGCTGGGCATACGCCCGCT-3'
Protein context (NP_001258867.1, residues 1042-1062): GPLGGGNCSL[Trp1052Arg]VGEGLGLPVA